The following is an entry in ClinVar:

NM_001370259.2(MEN1):c.1351-4C>T

Gene: MEN1 (menin 1; minus strand). Cytogenetic location: 11q13.1.
Variant type: single nucleotide variant.
Coding change: c.1351-4C>T on transcript NM_001370259.2 (MANE Select); 4 bases into the intron before coding-DNA position 1351, C replaced by T.
Molecular consequence: intron variant.
Genome position (GRCh38, 1-based): chr11:64,804,820, G>A on the plus strand (C>T on the coding strand, the complement: MEN1 is on the minus strand). VCF-style: chr11-64804820-G-A. GRCh37 (hg19) VCF-style: chr11-64572292-G-A.
Other names: c.1366-4C>T (NM_130804.3, NM_130803.3, NM_000244.4 and 3 more transcripts); c.1351-4C>T (NM_130799.3, NM_001370260.2, NM_001370261.2); c.1477-4C>T (NM_001370251.2); c.1246-4C>T (NM_001370263.2, NM_001370262.2).
Identifiers: ClinVar variation 215961 (VCV000215961.75), dbSNP rs764408631, ClinGen allele CA060500.

ClinVar aggregate classification (germline): Conflicting classifications of pathogenicity. Review status: criteria provided, conflicting classifications (1 of 4 stars). 12 submissions from 11 submitters: Uncertain significance (3); Benign (2); Likely benign (7). Last evaluated 2026-01-28.

Conditions:
Hyperparathyroidism. Identifiers: MedGen C0020502, MONDO:0001741, HP:0000843.
Hereditary cancer-predisposing syndrome. Also called: Tumor predisposition; Neoplastic Syndromes, Hereditary; Hereditary Cancer Syndrome; Hereditary neoplastic syndrome. Identifiers: Orphanet 140162, MedGen C0027672, MeSH D009386, MONDO:0015356.
Multiple endocrine neoplasia, type 1 (MEN1). Also called: Endocrine adenomatosis multiple; MEN 1; MEN I; WERMER SYNDROME; MEA I. Identifiers: Orphanet 652, MedGen C0025267, MeSH D018761, MONDO:0007540, OMIM 131100.

Allele frequency attached by ClinVar (database versions not stated): ExAC 0.00004; gnomAD exomes 0.00006 and 0.00007; TOPMed 0.00012; gnomAD 0.00013 and 0.00014.
gnomAD v4.1: 107 of 1,596,768 alleles (0.0067%); highest among the groups gnomAD compares: Non-Finnish European, 0.0087%; no homozygotes.

Submissions (12):

Labcorp Genetics (formerly Invitae), Labcorp
Classification: Benign for Multiple endocrine neoplasia, type 1. Last evaluated: 2026-01-28. Review status: criteria provided, single submitter. Criteria: Invitae Variant Classification Sherloc (09022015). Collection method: clinical testing. Allele origin: germline.

Center for Genomic Medicine, Rigshospitalet, Copenhagen University Hospital
Classification: Uncertain significance. Last evaluated: 2025-03-04. Review status: criteria provided, single submitter. Criteria: ACMG Guidelines, 2015. Collection method: clinical testing. Allele origin: germline.

CeGaT Center for Human Genetics Tuebingen
Classification: Likely benign. Last evaluated: 2024-12-01. Review status: criteria provided, single submitter. Criteria: CeGaT Center For Human Genetics Tuebingen Variant Classification Criteria Version 2. Collection method: clinical testing. Allele origin: germline. Affected: yes. Observed: 2 variant alleles.
Comment: MEN1: BP4

Myriad Genetics, Inc.
Classification: Benign for Multiple endocrine neoplasia, type 1. Last evaluated: 2024-11-05. Review status: criteria provided, single submitter. Criteria: Myriad Autosomal Dominant, Autosomal Recessive and X-Linked Classification Criteria (2023). Collection method: clinical testing. Allele origin: unknown.
Comment: This variant is considered benign. This variant is intronic and is not expected to impact mRNA splicing. This variant has been observed at a population frequency that is significantly greater than expected given the associated disease prevalence and penetrance.

Blueprint Genetics
Classification: Likely benign. Last evaluated: 2024-10-01. Review status: criteria provided, single submitter. Criteria: ACMG Guidelines, 2015. Collection method: clinical testing. Allele origin: germline.

Color Diagnostics, LLC DBA Color Health
Classification: Likely benign for Multiple endocrine neoplasia, type 1. Last evaluated: 2022-02-18. Review status: criteria provided, single submitter. Criteria: ACMG Guidelines, 2015. Collection method: clinical testing. Allele origin: germline.

Institute for Clinical Genetics, University Hospital TU Dresden, University Hospital TU Dresden
Classification: Uncertain significance. Last evaluated: 2021-11-03. Review status: criteria provided, single submitter. Criteria: ACMG Guidelines, 2015. Collection method: clinical testing. Allele origin: germline.

GeneDx
Classification: Likely benign. Last evaluated: 2020-08-10. Review status: criteria provided, single submitter. Criteria: GeneDx Variant Classification Process June 2021. Collection method: clinical testing. Allele origin: germline. Affected: yes.

Ambry Genetics
Classification: Likely benign for Hereditary cancer-predisposing syndrome. Last evaluated: 2020-02-25. Review status: criteria provided, single submitter. Criteria: Ambry Variant Classification Scheme 2023. Collection method: clinical testing. Allele origin: germline.

Illumina Laboratory Services, Illumina
Classification: Likely benign for Multiple endocrine neoplasia, type 1. Last evaluated: 2018-07-26. Review status: criteria provided, single submitter. Criteria: ICSL Variant Classification Criteria 13 December 2019. Collection method: clinical testing. Allele origin: germline.
Comment: This variant was observed as part of a predisposition screen in an ostensibly healthy population. A literature search was performed for the gene, cDNA change, and amino acid change (where applicable). No publications were found based on this search. Allele frequency data from public databases allowed determination this variant is unlikely to cause disease. Therefore, this variant is classified as likely benign.

Illumina Laboratory Services, Illumina
Classification: Uncertain significance for Hyperparathyroidism. Last evaluated: 2018-07-26. Review status: criteria provided, single submitter. Criteria: ICSL Variant Classification Criteria 13 December 2019. Collection method: clinical testing. Allele origin: germline.

PreventionGenetics, part of Exact Sciences
Classification: Likely benign. Last evaluated: 2017-06-15. Review status: criteria provided, single submitter. Criteria: ACMG Guidelines, 2015. Collection method: clinical testing. Allele origin: germline.

Literature cited by the submitters: PubMed 10647896 (cited by Ambry Genetics).